The following is an entry in ClinVar:

ClinVar aggregate classification (germline): Uncertain significance. Review status: criteria provided, multiple submitters, no conflicts (2 of 4 stars). 3 submissions from 3 submitters: Uncertain significance (3). Last evaluated 2026-05-10.

Conditions:
Inborn genetic diseases. Identifiers: MedGen C0950123, MeSH D030342.

gnomAD v4.1: 43 of 1,614,032 alleles (0.0027%); highest among the groups gnomAD compares: South Asian, 0.023%; no homozygotes.

Submissions (3):

Ambry Genetics
Classification: Uncertain significance for Inborn genetic diseases. Last evaluated: 2026-05-10. Review status: criteria provided, single submitter. Criteria: Ambry Variant Classification Scheme 2023. Collection method: clinical testing. Allele origin: germline.

Women's Health and Genetics/Laboratory Corporation of America, LabCorp
Classification: Uncertain significance. Last evaluated: 2025-12-29. Review status: criteria provided, single submitter. Criteria: LabCorp Variant Classification Summary - May 2015. Collection method: clinical testing. Allele origin: germline.
Comment: Variant summary: VWF c.7639G>A (p.Val2547Ile) results in a conservative amino acid change in the encoded protein sequence. Algorithms developed to predict the effect of missense changes on protein structure and function are either unavailable or do not agree on the potential impact of this missense change. The variant allele was found at a frequency of 6.4e-05 in 251438 control chromosomes. This frequency is not significantly higher than estimated for disease-causing variants in VWF, allowing no conclusion about variant significance. To our knowledge, no occurrence of c.7639G>A in individuals affected with VWF-related conditions and no experimental evidence demonstrating its impact on protein function have been reported. ClinVar contains an entry for this variant (Variation ID: 4075602). Based on the evidence outlined above, the variant was classified as uncertain significance.

GeneDx
Classification: Uncertain significance. Last evaluated: 2025-02-12. Review status: criteria provided, single submitter. Criteria: GeneDx Variant Classification Process June 2021. Collection method: clinical testing. Allele origin: germline. Affected: yes.
Comment: In silico analysis indicates that this missense variant does not alter protein structure/function; Has not been previously published as pathogenic or benign to our knowledge

NM_000552.5(VWF):c.7639G>A (p.Val2547Ile)

Gene: VWF (von Willebrand factor; minus strand). Cytogenetic location: 12p13.31.
Variant type: single nucleotide variant.
Coding change: c.7639G>A on transcript NM_000552.5 (MANE Select); coding-DNA position 7639, G replaced by A.
Protein change: p.Val2547Ile; replaces valine 2547 with isoleucine.
Molecular consequence: missense variant.
Genome position (GRCh38, 1-based): chr12:5,969,301, C>T on the plus strand (G>A on the coding strand, the complement: VWF is on the minus strand). VCF-style: chr12-5969301-C-T. GRCh37 (hg19) VCF-style: chr12-6078467-C-T.
Other names: short protein forms V2547I.
Identifiers: ClinVar variation 4075602 (VCV004075602.3).